The following is an entry in ClinVar:

ClinVar aggregate classification (germline): Benign (1 of 4 stars; one submission).

Submission:

GeneDx
Classification: Benign. Last evaluated: 2018-06-14. Review status: criteria provided, single submitter. Criteria: GeneDx Variant Classification (06012015). Collection method: clinical testing. Allele origin: germline. Affected: yes.
Comment: This variant is considered likely benign or benign based on one or more of the following criteria: it is a conservative change, it occurs at a poorly conserved position in the protein, it is predicted to be benign by multiple in silico algorithms, and/or has population frequency not consistent with disease.

NM_006846.4(SPINK5):c.1092+183_1092+184del

Gene: SPINK5 (serine peptidase inhibitor Kazal type 5; plus strand). Cytogenetic location: 5q32.
Variant type: Microsatellite.
Coding change: c.1092+183_1092+184del on transcript NM_006846.4 (MANE Select); bases 183 to 184 of the intron after coding-DNA position 1092, 2 bases deleted (CT; older notation c.1092+183_1092+184delCT).
Molecular consequence: intron variant.
Genome position (GRCh38, 1-based): chr5:148,099,498-148,099,499, CT deleted; deleting any 2 consecutive bases within chr5:148,099,496-148,099,499 gives the same sequence; the c. name uses the placement nearest the transcript's 3' end. VCF-style (leftmost placement, unchanged base first): chr5-148099495-ACT-A. GRCh37 (hg19) VCF-style: chr5-147479058-ACT-A.
Other names: c.1092+183_1092+184del (NM_001127698.2, NM_001127699.2).
Identifiers: ClinVar variation 677135 (VCV000677135.1), dbSNP rs66488719, ClinGen allele CA128917346.
Genomic context (GRCh38, chr5:148,099,495, plus strand): 5'-GGGATGGTATTGAGATGAATTATATGGGAAGATTGATCCATTCTTGCTGATTAAAAACTA[ACT>A]CTGCAAAAAAAAAAAAAAAAAATTGTTTAAAAGCTGAAAAACTGAGTTCTACTTCTAGTT-3'